The following is an entry in ClinVar:

NM_001303052.2(MYT1L):c.3547G>A (p.Gly1183Arg)

Gene: MYT1L (myelin transcription factor 1 like; minus strand). Cytogenetic location: 2p25.3.
Variant type: single nucleotide variant.
Coding change: c.3547G>A on transcript NM_001303052.2 (MANE Select); coding-DNA position 3547, G replaced by A.
Protein change: p.Gly1183Arg; replaces glycine 1183 with arginine.
Molecular consequence: missense variant. On other transcripts: 3 prime UTR variant (2), intron variant (2).
Genome position (GRCh38, 1-based): chr2:1,791,881, C>T on the plus strand (G>A on the coding strand, the complement: MYT1L is on the minus strand). VCF-style: chr2-1791881-C-T. GRCh37 (hg19) VCF-style: chr2-1795653-C-T.
Other names: c.3547G>A, p.Gly1183Arg (NM_001329844.2, NM_001329845.1); c.3541G>A, p.Gly1181Arg (NM_001329847.2, NM_001329848.1, NM_015025.4); c.*428G>A (NM_001329851.3, NM_001329852.3); c.3420+440G>A (NM_001329849.3); c.3414+440G>A (NM_001329846.3); short protein forms G1181R, G1183R.
Identifiers: ClinVar variation 1810456 (VCV001810456.1), dbSNP rs2549909848, ClinGen allele CA345731584.
Genomic context (GRCh38, chr2:1,791,881, plus strand): 5'-AAGAGGCATCCTTTTTAAGCAAGAGTTTCATCACTACAGCAGCTGTTCAGACCTGAATTC[C>T]TCTCACAGCCTGCTTTATATTTTCCAGTAGGGCTTTATTTTCTGGACTCTGATAACGATC-3'
Protein context (NP_001289981.1, residues 1173-1186): LLENIKQAVR[Gly1183Arg]IQV

ClinVar aggregate classification (germline): Uncertain significance (1 of 4 stars; one submission).

Submission:

GeneDx
Classification: Uncertain significance. Last evaluated: 2022-07-08. Review status: criteria provided, single submitter. Criteria: GeneDx Variant Classification Process June 2021. Collection method: clinical testing. Allele origin: germline. Affected: yes.
Comment: Not observed at significant frequency in large population cohorts (gnomAD); In silico analysis supports that this missense variant has a deleterious effect on protein structure/function; Has not been previously published as pathogenic or benign to our knowledge